The following is an entry in ClinVar:

NM_003632.3(CNTNAP1):c.1282C>T (p.Arg428Ter)

Gene: CNTNAP1 (contactin associated protein 1; plus strand). Cytogenetic location: 17q21.2.
Variant type: single nucleotide variant.
Coding change: c.1282C>T on transcript NM_003632.3 (MANE Select); coding-DNA position 1282, C replaced by T.
Protein change: p.Arg428Ter; replaces arginine 428 with a stop codon.
Molecular consequence: nonsense.
Genome position (GRCh38, 1-based): chr17:42,687,957, C>T. VCF-style: chr17-42687957-C-T. GRCh37 (hg19) VCF-style: chr17-40839975-C-T.
Other names: short protein forms R428*.
Identifiers: ClinVar variation 379825 (VCV000379825.2), dbSNP rs778961637, ClinGen allele CA16607242.

ClinVar aggregate classification (germline): Pathogenic (1 of 4 stars; one submission).

Allele frequency attached by ClinVar (database versions not stated): gnomAD 0.00001 and 0.00003.
gnomAD v4.1: 3 of 1,613,198 alleles (0.00019%); highest among the groups gnomAD compares: South Asian, 0.0011%; no homozygotes.

Submission:

GeneDx
Classification: Pathogenic. Last evaluated: 2017-05-16. Review status: criteria provided, single submitter. Criteria: GeneDx Variant Classification (06012015). Collection method: clinical testing. Allele origin: germline. Affected: yes.
Comment: The R428X variant in the CNTNAP1 gene has not been reported previously as a pathogenic variant nor as a benign polymorphism, to our knowledge. This variant is predicted to cause loss of normal protein function either through protein truncation or nonsense-mediated mRNA decay. The R428X variant was not observed in approximately 6,500 individuals of European and African American ancestry in the NHLBI Exome Sequencing Project, indicating it is not a common benign variant in these populations. We interpret R428X as a pathogenic variant.